The following is an entry in ClinVar:

NM_005535.3(IL12RB1):c.929C>T (p.Ser310Leu)

Gene: IL12RB1 (interleukin 12 receptor subunit beta 1; minus strand). Cytogenetic location: 19p13.11.
Variant type: single nucleotide variant.
Coding change: c.929C>T on transcript NM_005535.3 (MANE Select); coding-DNA position 929, C replaced by T.
Protein change: p.Ser310Leu; replaces serine 310 with leucine.
Molecular consequence: missense variant.
Genome position (GRCh38, 1-based): chr19:18,072,204, G>A on the plus strand (C>T on the coding strand, the complement: IL12RB1 is on the minus strand). VCF-style: chr19-18072204-G-A. GRCh37 (hg19) VCF-style: chr19-18183014-G-A.
Other names: c.929C>T, p.Ser310Leu (NM_001290023.2, NM_153701.3); c.1049C>T, p.Ser350Leu (NM_001290024.2); short protein forms S310L, S350L.
Identifiers: ClinVar variation 972082 (VCV000972082.8), dbSNP rs767931872, ClinGen allele CA9305030.
Genomic context (GRCh38, chr19:18,072,204, plus strand): 5'-TGGTTCAGGCCAGGACCAAATTGGTTCGAGGAGATGACAGCCACGTTGTAGGCAGCACCC[G>A]AGAGATAGGGCATCTTCCCCAGGTGCAGGGTCCTGGTGGCCTTGGCCTTACACGGGCAGG-3'
Protein context (NP_005526.1, residues 300-320): TLHLGKMPYL[Ser310Leu]GAAYNVAVIS

ClinVar aggregate classification (germline): Uncertain significance (1 of 4 stars; one submission).

Conditions:
Mendelian susceptibility to mycobacterial diseases due to complete IL12RB1 deficiency. Also called: IL12RB1 DEFICIENCY; Immunodeficiency 30. Identifiers: Orphanet 319552, MedGen C4013949, MONDO:0013955, OMIM 614891.

Allele frequency attached by ClinVar (database versions not stated): TOPMed below 0.00001; gnomAD exomes 0.00002; gnomAD 0.00001; ExAC 0.00002.
gnomAD v4.1: 25 of 1,613,980 alleles (0.0015%); highest among the groups gnomAD compares: South Asian, 0.0011%; no homozygotes.

Submission:

Labcorp Genetics (formerly Invitae), Labcorp
Classification: Uncertain significance for Mendelian susceptibility to mycobacterial diseases due to complete IL12RB1 deficiency. Last evaluated: 2024-10-07. Review status: criteria provided, single submitter. Criteria: Invitae Variant Classification Sherloc (09022015). Collection method: clinical testing. Allele origin: germline.
Comment: This sequence change replaces serine, which is neutral and polar, with leucine, which is neutral and non-polar, at codon 310 of the IL12RB1 protein (p.Ser310Leu). This variant is present in population databases (rs767931872, gnomAD 0.01%). This variant has not been reported in the literature in individuals affected with IL12RB1-related conditions. ClinVar contains an entry for this variant (Variation ID: 972082). Invitae Evidence Modeling of protein sequence and biophysical properties (such as structural, functional, and spatial information, amino acid conservation, physicochemical variation, residue mobility, and thermodynamic stability) indicates that this missense variant is expected to disrupt IL12RB1 protein function with a positive predictive value of 80%. In summary, the available evidence is currently insufficient to determine the role of this variant in disease. Therefore, it has been classified as a Variant of Uncertain Significance.